The following is an entry in ClinVar:

ClinVar aggregate classification (germline): Uncertain significance (1 of 4 stars; one submission).

gnomAD v4.1: 9 of 1,612,300 alleles (0.00056%); highest among the groups gnomAD compares: Non-Finnish European, 0.00076%; no homozygotes.

Submission:

Mayo Clinic Laboratories, Mayo Clinic
Classification: Uncertain significance. Last evaluated: 2025-04-08. Review status: criteria provided, single submitter. Criteria: ACMG Guidelines, 2015. Collection method: clinical testing. Allele origin: germline. Observed: 1 variant allele.
Comment: BP4_moderate, PM2_supporting

NM_001206927.2(DNAH8):c.106C>A (p.Pro36Thr)

Genes: DNAH8 (dynein axonemal heavy chain 8; plus strand), LOC126859667 (BRD4-independent group 4 enhancer GRCh37_chr6:38690326-38691525; plus strand). Cytogenetic location: 6p21.2.
Variant type: single nucleotide variant.
Coding change: c.106C>A on transcript NM_001206927.2 (MANE Select); coding-DNA position 106, C replaced by A.
Protein change: p.Pro36Thr; replaces proline 36 with threonine.
Molecular consequence: missense variant. On other transcripts: 5 prime UTR variant (1).
Genome position (GRCh38, 1-based): chr6:38,722,915, C>A. VCF-style: chr6-38722915-C-A. GRCh37 (hg19) VCF-style: chr6-38690691-C-A.
Other names: p.Pro36Thr; c.-461C>A (NM_001371.4); short protein forms P36T.
Identifiers: ClinVar variation 4541156 (VCV004541156.1).
Genomic context (GRCh38, chr6:38,722,915, plus strand): 5'-GCTCCTCCCTCTACGGAAGAGGCTGCCCCTCCCCGTTCAGAAGAGGAAGAGGCCCCGCGC[C>A]CTCCGACAGTGGAGGCCCCGGCAGAAGATGGTTTCTCTCCTTCCGCAGAAGATGCTGTTT-3'
Protein context (NP_001193856.1, residues 26-46): PRSEEEEAPR[Pro36Thr]PTVEAPAEDG